The following is an entry in ClinVar:

NM_001184.4(ATR):c.3586T>G (p.Trp1196Gly)

Gene: ATR (ATR checkpoint kinase; minus strand). Cytogenetic location: 3q23.
Variant type: single nucleotide variant.
Coding change: c.3586T>G on transcript NM_001184.4 (MANE Select); coding-DNA position 3586, T replaced by G.
Protein change: p.Trp1196Gly; replaces tryptophan 1196 with glycine.
Molecular consequence: missense variant.
Genome position (GRCh38, 1-based): chr3:142,538,621, A>C on the plus strand (T>G on the coding strand, the complement: ATR is on the minus strand). VCF-style: chr3-142538621-A-C. GRCh37 (hg19) VCF-style: chr3-142257463-A-C.
Other names: c.3394T>G, p.Trp1132Gly (NM_001354579.2); short protein forms W1132G, W1196G.
Identifiers: ClinVar variation 1511234 (VCV001511234.10), dbSNP rs2108433026, ClinGen allele CA354807663.
Genomic context (GRCh38, chr3:142,538,621, plus strand): 5'-TTACATGACTGAGAAGGGAGCCCAGACAAGCATGATCCAGGCAGCGAACAAAGCAGTCCC[A>C]AGCTCTATGTGAAAAAACAAATAGAAATGAAGTCCAATTACTTTTATTATTTGTAAAGCT-3'
Protein context (NP_001175.2, residues 1186-1206): DDFPELCCRA[Trp1196Gly]DCFVRCLDHA

ClinVar aggregate classification (germline): Uncertain significance. Review status: criteria provided, multiple submitters, no conflicts (2 of 4 stars). 4 submissions from 3 submitters: Uncertain significance (4). Last evaluated 2024-01-31.

Conditions:
Inborn genetic diseases. Identifiers: MedGen C0950123, MeSH D030342.
Familial cutaneous telangiectasia and oropharyngeal predisposition cancer syndrome. Identifiers: Orphanet 313846, MedGen C3281203, MONDO:0013806, OMIM 614564.
Seckel syndrome 1 (SCKL1). Also called: MICROCEPHALIC PRIMORDIAL DWARFISM I. Identifiers: Orphanet 808, MedGen C4551474, MONDO:0008869, OMIM 210600.

Submissions (4):

Ambry Genetics
Classification: Uncertain significance for Inborn genetic diseases. Last evaluated: 2024-01-31. Review status: criteria provided, single submitter. Criteria: Ambry Variant Classification Scheme 2023. Collection method: clinical testing. Allele origin: germline.
Comment: The p.W1196G variant (also known as c.3586T>G), located in coding exon 19 of the ATR gene, results from a T to G substitution at nucleotide position 3586. The tryptophan at codon 1196 is replaced by glycine, an amino acid with highly dissimilar properties. This amino acid position is conserved. In addition, this alteration is predicted to be deleterious by in silico analysis. Since supporting evidence is limited at this time, the clinical significance of this alteration remains unclear.

Genome-Nilou Lab
Classification: Uncertain significance for Seckel syndrome 1. Last evaluated: 2023-02-08. Review status: criteria provided, single submitter. Criteria: ACMG Guidelines, 2015. Collection method: clinical testing. Allele origin: germline.

Genome-Nilou Lab
Classification: Uncertain significance for Familial cutaneous telangiectasia and oropharyngeal predisposition cancer syndrome. Last evaluated: 2023-02-08. Review status: criteria provided, single submitter. Criteria: ACMG Guidelines, 2015. Collection method: clinical testing. Allele origin: germline.

Labcorp Genetics (formerly Invitae), Labcorp
Classification: Uncertain significance. Last evaluated: 2022-05-15. Review status: criteria provided, single submitter. Criteria: Invitae Variant Classification Sherloc (09022015). Collection method: clinical testing. Allele origin: germline.
Comment: This sequence change replaces tryptophan, which is neutral and slightly polar, with glycine, which is neutral and non-polar, at codon 1196 of the ATR protein (p.Trp1196Gly). In summary, the available evidence is currently insufficient to determine the role of this variant in disease. Therefore, it has been classified as a Variant of Uncertain Significance. Algorithms developed to predict the effect of missense changes on protein structure and function (SIFT, PolyPhen-2, Align-GVGD) all suggest that this variant is likely to be disruptive. This variant has not been reported in the literature in individuals affected with ATR-related conditions. This variant is not present in population databases (gnomAD no frequency).